The following is an entry in ClinVar:

ClinVar aggregate classification (germline): Pathogenic/Likely pathogenic. Review status: no assertion criteria provided (0 of 4 stars). 3 submissions from 3 submitters: Pathogenic (1); Likely pathogenic (1). 1 of the submissions does not count toward it.

Conditions:
Familial long QT syndrome (RWS). Also called: Congenital long QT syndrome; Romano-Ward syndrome; VENTRICULAR FIBRILLATION WITH PROLONGED QT INTERVAL. Identifiers: Orphanet 768, MedGen C1141890, MONDO:0019171.

Submissions (3):

Cardiovascular Biomedical Research Unit, Royal Brompton & Harefield NHS Foundation Trust
No classification provided. Condition: Familial long QT syndrome. Review status: no classification provided. Collection method: literature only. Allele origin: germline. Not counted in ClinVar's aggregate classification.
Comment: This variant has been reported as associated with Long QT syndrome in the following publications (PMID:10220144). This is a literature report, and does not necessarily reflect the clinical interpretation of the Imperial College / Royal Brompton Cardiovascular Genetics laboratory.

Genome Diagnostics Laboratory, University Medical Center Utrecht
Classification: Likely pathogenic. Review status: no assertion criteria provided. Collection method: clinical testing. Allele origin: germline. Affected: yes. Study: VKGL Data-share Consensus.

Joint Genome Diagnostic Labs from Nijmegen and Maastricht, Radboudumc and MUMC+
Classification: Pathogenic. Review status: no assertion criteria provided. Collection method: clinical testing. Allele origin: germline. Affected: yes. Study: VKGL Data-share Consensus.

Literature cited by the submitters: PubMed 10220144 (cited by Cardiovascular Biomedical Research Unit, Royal Brompton & Harefield NHS Foundation Trust); PubMed 22581653 (cited by Cardiovascular Biomedical Research Unit, Royal Brompton & Harefield NHS Foundation Trust).

NM_000218.3(KCNQ1):c.1174T>C (p.Trp392Arg)

Gene: KCNQ1 (potassium voltage-gated channel subfamily Q member 1; plus strand). Cytogenetic location: 11p15.5.
Variant type: single nucleotide variant.
Coding change: c.1174T>C on transcript NM_000218.3 (MANE Select); coding-DNA position 1174, T replaced by C.
Protein change: p.Trp392Arg; replaces tryptophan 392 with arginine.
Molecular consequence: missense variant.
Genome position (GRCh38, 1-based): chr11:2,587,615, T>C. VCF-style: chr11-2587615-T-C. GRCh37 (hg19) VCF-style: chr11-2608845-T-C.
Other names: c.1174T>C (LRG_287t1); c.1078T>C, p.Trp360Arg (NM_001406836.1); c.904T>C, p.Trp302Arg (NM_001406837.1); c.634T>C, p.Trp212Arg (NM_001406838.1); c.793T>C, p.Trp265Arg (NM_181798.2); short protein forms W392R, W265R, W212R, W302R, W360R.
Identifiers: ClinVar variation 67019 (VCV000067019.7), dbSNP rs199472774, ClinGen allele CA005449.